The following is an entry in ClinVar:

NM_015570.4(AUTS2):c.661-145315del

Gene: AUTS2 (activator of transcription and developmental regulator AUTS2; plus strand). Cytogenetic location: 7q11.22.
Variant type: Deletion.
Coding change: c.661-145315del on transcript NM_015570.4 (MANE Select); 145315 bases into the intron before coding-DNA position 661, one base deleted (A; older notation c.661-145315delA).
Molecular consequence: intron variant. On other transcripts: frameshift variant (1).
Genome position (GRCh38, 1-based): chr7:70,290,437, A deleted. VCF-style (leftmost placement, unchanged base first): chr7-70290436-CA-C. GRCh37 (hg19) VCF-style: chr7-69755422-CA-C.
Other names: c.730del, p.Ser244fs (NM_001127232.3); c.661-145315del (NM_001127231.3); short protein forms S244fs.
Identifiers: ClinVar variation 3766214 (VCV003766214.1).

ClinVar aggregate classification (germline): Uncertain significance (1 of 4 stars; one submission).

Submission:

GeneDx
Classification: Uncertain significance. Last evaluated: 2024-08-27. Review status: criteria provided, single submitter. Criteria: GeneDx Variant Classification Process June 2021. Collection method: clinical testing. Allele origin: germline. Affected: yes.
Comment: Reported using an alternate transcript of the gene; Frameshift variant predicted to result in abnormal protein length as the last 23 amino acids are replaced with 47 different amino acids in an alternate transcript of a gene for which loss-of-function is not an established mechanism of disease; Not observed at significant frequency in large population cohorts (gnomAD); Has not been previously published as pathogenic or benign to our knowledge